The following is an entry in ClinVar:

NM_016333.4(SRRM2):c.7926C>T (p.Ser2642=)

Gene: SRRM2 (serine/arginine repetitive matrix 2; plus strand). Cytogenetic location: 16p13.3.
Variant type: single nucleotide variant.
Coding change: c.7926C>T on transcript NM_016333.4 (MANE Select); coding-DNA position 7926, C replaced by T.
Protein change: p.Ser2642=; no amino-acid change (serine 2642 retained).
Molecular consequence: synonymous variant.
Genome position (GRCh38, 1-based): chr16:2,769,189, C>T. VCF-style: chr16-2769189-C-T. GRCh37 (hg19) VCF-style: chr16-2819190-C-T.
Identifiers: ClinVar variation 2646082 (VCV002646082.24), dbSNP rs137907299, ClinGen allele CA7849349.
Genomic context (GRCh38, chr16:2,769,189, plus strand): 5'-CTCCTCCTCCTCTTCTTCCTCCTCCTCTTCCTCTTCTTCTTCTTCCTCCTCATCTTCCTC[C>T]TCCTCGTCGTCTTCCTCCCCTTCCCCTGCTAAGCCTGGCCCTCAGGCCTTGCCCAAACCT-3'
Protein context (NP_057417.3, residues 2632-2652): SSSSSSSSSS[Ser2642=]SSSSSSPSPA

ClinVar aggregate classification (germline): Likely benign (1 of 4 stars; one submission).

Allele frequency attached by ClinVar (database versions not stated): ExAC 0.00004; TOPMed 0.00004; gnomAD 0.00005; gnomAD exomes 0.00005; ESP Exome Variant Server 0.00008.
gnomAD v4.1: 86 of 1,610,150 alleles (0.0053%); highest among the groups gnomAD compares: African/African-American, 0.011%; no homozygotes.

Submission:

CeGaT Center for Human Genetics Tuebingen
Classification: Likely benign. Last evaluated: 2022-04-01. Review status: criteria provided, single submitter. Criteria: CeGaT Center For Human Genetics Tuebingen Variant Classification Criteria Version 2. Collection method: clinical testing. Allele origin: germline. Affected: yes. Observed: 1 variant allele.
Comment: SRRM2: BP4, BP7